The following is an entry in ClinVar:

NM_000277.3(PAH):c.952A>G (p.Ile318Val)

Gene: PAH (phenylalanine hydroxylase; minus strand). Cytogenetic location: 12q23.2.
Variant type: single nucleotide variant.
Coding change: c.952A>G on transcript NM_000277.3 (MANE Select); coding-DNA position 952, A replaced by G.
Protein change: p.Ile318Val; replaces isoleucine 318 with valine.
Molecular consequence: missense variant.
Genome position (GRCh38, 1-based): chr12:102,846,912, T>C on the plus strand (A>G on the coding strand, the complement: PAH is on the minus strand). VCF-style: chr12-102846912-T-C. GRCh37 (hg19) VCF-style: chr12-103240690-T-C.
Other names: c.952A>G, p.Ile318Val (NM_001354304.2); short protein forms I318V.
Identifiers: ClinVar variation 1767270 (VCV001767270.5), dbSNP rs1013968856, ClinGen allele CA242465796.

ClinVar aggregate classification (germline): Uncertain significance. Review status: criteria provided, multiple submitters, no conflicts (2 of 4 stars). 2 submissions from 2 submitters: Uncertain significance (2). Last evaluated 2024-01-15.

Conditions:
Inborn genetic diseases. Identifiers: MedGen C0950123, MeSH D030342.
Phenylketonuria (PKU). Also called: Phenylketonurias; FOLLING DISEASE; Phenylketonuria (PKU); OLIGOPHRENIA PHENYLPYRUVICA. Identifiers: Orphanet 716, MedGen C0031485, MONDO:0009861, OMIM 261600. Disease mechanism: loss of function.

Allele frequency attached by ClinVar (database versions not stated): gnomAD exomes below 0.00001.
gnomAD v4.1: 1 of 1,613,682 alleles (0.000062%); highest among the groups gnomAD compares: Non-Finnish European, 0.000085%; no homozygotes.

Submissions (2):

Labcorp Genetics (formerly Invitae), Labcorp
Classification: Uncertain significance for Phenylketonuria. Last evaluated: 2024-01-15. Review status: criteria provided, single submitter. Criteria: Invitae Variant Classification Sherloc (09022015). Collection method: clinical testing. Allele origin: germline.
Comment: This sequence change replaces isoleucine, which is neutral and non-polar, with valine, which is neutral and non-polar, at codon 318 of the PAH protein (p.Ile318Val). This variant is not present in population databases (gnomAD no frequency). This variant has not been reported in the literature in individuals affected with PAH-related conditions. ClinVar contains an entry for this variant (Variation ID: 1767270). Advanced modeling of protein sequence and biophysical properties (such as structural, functional, and spatial information, amino acid conservation, physicochemical variation, residue mobility, and thermodynamic stability) performed at Invitae indicates that this missense variant is not expected to disrupt PAH protein function with a negative predictive value of 80%. This variant disrupts the p.Ile318 amino acid residue in PAH. Other variant(s) that disrupt this residue have been determined to be pathogenic (PMID: 11139255, 11461196). This suggests that this residue is clinically significant, and that variants that disrupt this residue are likely to be disease-causing. In summary, the available evidence is currently insufficient to determine the role of this variant in disease. Therefore, it has been classified as a Variant of Uncertain Significance.

Ambry Genetics
Classification: Uncertain significance for Inborn genetic diseases. Last evaluated: 2022-08-07. Review status: criteria provided, single submitter. Criteria: Ambry Variant Classification Scheme 2023. Collection method: clinical testing. Allele origin: germline.
Comment: The p.I318V variant (also known as c.952A>G), located in coding exon 9 of the PAH gene, results from an A to G substitution at nucleotide position 952. The isoleucine at codon 318 is replaced by valine, an amino acid with highly similar properties. This amino acid position is conserved. In addition, the in silico prediction for this alteration is inconclusive. Since supporting evidence is limited at this time, the clinical significance of this alteration remains unclear.

Literature cited by the submitters: PubMed 11139255 (cited by Labcorp Genetics (formerly Invitae), Labcorp); PubMed 11461196 (cited by Labcorp Genetics (formerly Invitae), Labcorp).